The following is an entry in ClinVar:

ClinVar aggregate classification (germline): Pathogenic (1 of 4 stars; one submission).

Conditions:
Neurofibromatosis, type 2 (SWNV). Also called: BILATERAL ACOUSTIC NEUROFIBROMATOSIS; SCHWANNOMATOSIS, VESTIBULAR; NF2-Related Schwannomatosis. Identifiers: Orphanet 637, MedGen C0027832, MONDO:0007039, OMIM 101000. Disease mechanism: loss of function.

Submission:

Labcorp Genetics (formerly Invitae), Labcorp
Classification: Pathogenic for Neurofibromatosis, type 2. Last evaluated: 2020-06-01. Review status: criteria provided, single submitter. Criteria: Invitae Variant Classification Sherloc (09022015). Collection method: clinical testing. Allele origin: germline.
Comment: For these reasons, this variant has been classified as Pathogenic. Loss-of-function variants in NF2 are known to be pathogenic (PMID: 9643284, 16983642). This variant has been observed in individual(s) with clinical features of neurofibromatosis type 2 (PMID: 19968670). This variant is a gross deletion of the genomic region encompassing exons 1-4 of the NF2 gene, which includes the initiator codon. The 5' end of this event is unknown as it extends beyond the assayed region for this gene and therefore may encompass additional genes. The 3' boundary is likely confined to intron 4 of the NF2 gene. This is expected to result in an absent or disrupted protein product.

Literature cited by the submitters: PubMed 9643284; PubMed 16983642; PubMed 19968670.

NC_000022.11:g.(?_29603999)_(29642295_?)del

Gene: NF2 (NF2, moesin-ezrin-radixin like (MERLIN) tumor suppressor; plus strand). Cytogenetic location: 22q12.2.
Variant type: Deletion.
Identifiers: ClinVar variation 832466 (VCV000832466.11).